The following is an entry in ClinVar:

NM_014795.4(ZEB2):c.1880T>A (p.Val627Asp)

Gene: ZEB2 (zinc finger E-box binding homeobox 2; minus strand). Cytogenetic location: 2q22.3.
Variant type: single nucleotide variant.
Coding change: c.1880T>A on transcript NM_014795.4 (MANE Select); coding-DNA position 1880, T replaced by A.
Protein change: p.Val627Asp; replaces valine 627 with aspartic acid.
Molecular consequence: missense variant.
Genome position (GRCh38, 1-based): chr2:144,399,307, A>T on the plus strand (T>A on the coding strand, the complement: ZEB2 is on the minus strand). VCF-style: chr2-144399307-A-T. GRCh37 (hg19) VCF-style: chr2-145156874-A-T.
Other names: c.1808T>A, p.Val603Asp (NM_001171653.2); short protein forms V627D, V603D.
Identifiers: ClinVar variation 534638 (VCV000534638.15), dbSNP rs730881176, ClinGen allele CA348709874.

ClinVar aggregate classification (germline): Conflicting classifications of pathogenicity. Review status: criteria provided, conflicting classifications (1 of 4 stars). 3 submissions from 3 submitters: Uncertain significance (1); Likely benign (2). Last evaluated 2023-05-01.

Conditions:
Mowat-Wilson syndrome (MOWS). Also called: Classic Mowat-Wilson Syndrome. Identifiers: Orphanet 2152, MedGen C1856113, MONDO:0009341, OMIM 235730.

Allele frequency attached by ClinVar (database versions not stated): gnomAD 0.00001.
gnomAD v4.1: 1 of 1,613,448 alleles (0.000062%); highest among the groups gnomAD compares: African/African-American, 0.0013%; no homozygotes.

Submissions (3):

Labcorp Genetics (formerly Invitae), Labcorp
Classification: Likely benign for Mowat-Wilson syndrome. Last evaluated: 2023-05-01. Review status: criteria provided, single submitter. Criteria: Invitae Variant Classification Sherloc (09022015). Collection method: clinical testing. Allele origin: germline.

Genome-Nilou Lab
Classification: Likely benign for Mowat-Wilson syndrome. Last evaluated: 2021-11-07. Review status: criteria provided, single submitter. Criteria: ACMG Guidelines, 2015. Collection method: clinical testing. Allele origin: germline. Affected: no.

GeneDx
Classification: Uncertain significance. Last evaluated: 2020-02-04. Review status: criteria provided, single submitter. Criteria: GeneDx Variant Classification Process June 2021. Collection method: clinical testing. Allele origin: germline. Affected: yes.
Comment: Has not been previously published as pathogenic or benign to our knowledge; In silico analysis supports that this missense variant does not alter protein structure/function